The following is an entry in ClinVar:

NM_182925.5(FLT4):c.2842C>G (p.Pro948Ala)

Gene: FLT4 (fms related receptor tyrosine kinase 4; minus strand). Cytogenetic location: 5q35.3.
Variant type: single nucleotide variant.
Coding change: c.2842C>G on transcript NM_182925.5 (MANE Select); coding-DNA position 2842, C replaced by G.
Protein change: p.Pro948Ala; replaces proline 948 with alanine.
Molecular consequence: missense variant.
Genome position (GRCh38, 1-based): chr5:180,619,029, G>C on the plus strand (C>G on the coding strand, the complement: FLT4 is on the minus strand). VCF-style: chr5-180619029-G-C. GRCh37 (hg19) VCF-style: chr5-180046029-G-C.
Other names: c.2842C>G, p.Pro948Ala (NM_001354989.2, NM_002020.5); short protein forms P948A.
Identifiers: ClinVar variation 3781218 (VCV003781218.1).

ClinVar aggregate classification (germline): Uncertain significance (1 of 4 stars; one submission).

gnomAD v4.1: 13 of 1,553,076 alleles (0.00084%); highest among the groups gnomAD compares: Non-Finnish European, 0.0011%; no homozygotes.

Submission:

GeneDx
Classification: Uncertain significance. Last evaluated: 2024-10-16. Review status: criteria provided, single submitter. Criteria: GeneDx Variant Classification Process June 2021. Collection method: clinical testing. Allele origin: germline. Affected: yes.
Comment: In silico analysis supports that this missense variant has a deleterious effect on protein structure/function; Has not been previously published as pathogenic or benign to our knowledge; This variant is associated with the following publications: (PMID: 11114740)